The following is an entry in ClinVar:

NM_003332.4(TYROBP):c.96T>A (p.Asp32Glu)

Gene: TYROBP (transmembrane immune signaling adaptor TYROBP; minus strand). Cytogenetic location: 19q13.12.
Variant type: single nucleotide variant.
Coding change: c.96T>A on transcript NM_003332.4 (MANE Select); coding-DNA position 96, T replaced by A.
Protein change: p.Asp32Glu; replaces aspartic acid 32 with glutamic acid.
Molecular consequence: missense variant. On other transcripts: non-coding transcript variant (1).
Genome position (GRCh38, 1-based): chr19:35,907,579, A>T on the plus strand (T>A on the coding strand, the complement: TYROBP is on the minus strand). VCF-style: chr19-35907579-A-T. GRCh37 (hg19) VCF-style: chr19-36398481-A-T.
Other names: c.63T>A, p.Asp21Glu (NM_001173514.2, NM_001173515.2); c.96T>A, p.Asp32Glu (NM_198125.3); c.96T>A (NM_003332.3); short protein forms D32E, D21E.
Identifiers: ClinVar variation 1434136 (VCV001434136.4), dbSNP rs138901102, ClinGen allele CA9393107.

ClinVar aggregate classification (germline): Conflicting classifications of pathogenicity. Review status: criteria provided, conflicting classifications (1 of 4 stars). 2 submissions from 2 submitters: Uncertain significance (1); Likely benign (1). Last evaluated 2023-11-14.

Conditions:
Inborn genetic diseases. Identifiers: MedGen C0950123, MeSH D030342.

Allele frequency attached by ClinVar (database versions not stated): gnomAD exomes 0.00002 and 0.00007; ExAC 0.00007; gnomAD 0.00024 and 0.00026; TOPMed 0.00026; ESP Exome Variant Server 0.00038.
gnomAD v4.1: 70 of 1,613,924 alleles (0.0043%); highest among the groups gnomAD compares: African/African-American, 0.085%; no homozygotes.

Submissions (2):

Ambry Genetics
Classification: Likely benign for Inborn genetic diseases. Last evaluated: 2023-11-14. Review status: criteria provided, single submitter. Criteria: Ambry Variant Classification Scheme 2023. Collection method: clinical testing. Allele origin: germline.

Labcorp Genetics (formerly Invitae), Labcorp
Classification: Uncertain significance. Last evaluated: 2022-07-19. Review status: criteria provided, single submitter. Criteria: Invitae Variant Classification Sherloc (09022015). Collection method: clinical testing. Allele origin: germline.
Comment: This sequence change replaces aspartic acid, which is acidic and polar, with glutamic acid, which is acidic and polar, at codon 32 of the TYROBP protein (p.Asp32Glu). This variant is present in population databases (rs138901102, gnomAD 0.1%). This variant has not been reported in the literature in individuals affected with TYROBP-related conditions. ClinVar contains an entry for this variant (Variation ID: 1434136). Algorithms developed to predict the effect of missense changes on protein structure and function output the following: SIFT: "Not Available"; PolyPhen-2: "Benign"; Align-GVGD: "Not Available". The glutamic acid amino acid residue is found in multiple mammalian species, which suggests that this missense change does not adversely affect protein function. In summary, the available evidence is currently insufficient to determine the role of this variant in disease. Therefore, it has been classified as a Variant of Uncertain Significance.